The following is an entry in ClinVar:

ClinVar aggregate classification (germline): Uncertain significance (1 of 4 stars; one submission).

Conditions:
Ataxia-telangiectasia syndrome (AT). Also called: Ataxia-telangiectasia; AT, COMPLEMENTATION GROUP C; ATAXIA-TELANGIECTASIA, FRESNO VARIANT; Ataxia-telangiectasia, complementation group D; Ataxia-telangiectasia, complementation group E; LOUIS-BAR SYNDROME. Identifiers: Orphanet 100, MedGen C0004135, MONDO:0008840, OMIM 208900.

Submission:

Labcorp Genetics (formerly Invitae), Labcorp
Classification: Uncertain significance for Ataxia-telangiectasia syndrome. Last evaluated: 2022-07-23. Review status: criteria provided, single submitter. Criteria: Invitae Variant Classification Sherloc (09022015). Collection method: clinical testing. Allele origin: germline.
Comment: In summary, the available evidence is currently insufficient to determine the role of this variant in disease. Therefore, it has been classified as a Variant of Uncertain Significance. Algorithms developed to predict the effect of sequence changes on RNA splicing suggest that this variant may disrupt the consensus splice site. This variant has not been reported in the literature in individuals affected with ATM-related conditions. This variant is not present in population databases (gnomAD no frequency). This sequence change falls in intron 14 of the ATM gene. It does not directly change the encoded amino acid sequence of the ATM protein.

NM_000051.4(ATM):c.2251-11A>C

Gene: ATM (ATM serine/threonine kinase; plus strand). Cytogenetic location: 11q22.3.
Variant type: single nucleotide variant.
Coding change: c.2251-11A>C on transcript NM_000051.4 (MANE Select); 11 bases into the intron before coding-DNA position 2251, A replaced by C.
Molecular consequence: intron variant.
Genome position (GRCh38, 1-based): chr11:108,257,470, A>C. VCF-style: chr11-108257470-A-C. GRCh37 (hg19) VCF-style: chr11-108128197-A-C.
Other names: c.2251-11A>C (NM_001351834.2).
Identifiers: ClinVar variation 2019379 (VCV002019379.4), dbSNP rs755369461, ClinGen allele CA2580083336.
Genomic context (GRCh38, chr11:108,257,470, plus strand): 5'-GTACACTGTAAAAAGCAATACTAAACTATAATTTTAACTGGAATTTGCATTTTTCCTTCT[A>C]TTCACAATAGTCTCTAATGCAATGTGCAGGAGAAAGTATCACTCTGTTTAAAAATAAGAC-3'